The following is an entry in ClinVar:

NM_000321.3(RB1):c.869del (p.Asn290fs)

Gene: RB1 (RB transcriptional corepressor 1; plus strand). Cytogenetic location: 13q14.2.
Variant type: Deletion.
Coding change: c.869del on transcript NM_000321.3 (MANE Select); coding-DNA position 869, one base deleted (A; older notation c.869delA).
Protein change: p.Asn290fs; shifts the reading frame from asparagine 290.
Molecular consequence: frameshift variant.
Genome position (GRCh38, 1-based): chr13:48,364,901, A deleted; the last of 5 consecutive A bases (chr13:48,364,897-48,364,901); deleting any one gives the same sequence. VCF-style (leftmost placement, unchanged base first): chr13-48364896-GA-G. GRCh37 (hg19) VCF-style: chr13-48939032-GA-G.
Other names: c.869delA (NM_000321.2); short protein forms N290fs.
Identifiers: ClinVar variation 428726 (VCV000428726.13), dbSNP rs1131690901, ClinGen allele CA645369539.

ClinVar aggregate classification (germline): Pathogenic. Review status: criteria provided, multiple submitters, no conflicts (2 of 4 stars). 2 submissions from 2 submitters: Pathogenic (2). Last evaluated 2018-05-19.

Conditions:
Hereditary cancer-predisposing syndrome. Also called: Hereditary Cancer Syndrome; Neoplastic Syndromes, Hereditary; Hereditary neoplastic syndrome; Tumor predisposition. Identifiers: Orphanet 140162, MedGen C0027672, MeSH D009386, MONDO:0015356.
Retinoblastoma (RB1). Also called: RETINOBLASTOMA, SOMATIC. Identifiers: Orphanet 790, MedGen C0035335, MeSH D012175, MONDO:0008380, OMIM 180200, HP:0009919. Disease mechanism: loss of function. Inheritance: Both sporadic and heritable forms are tested..

Submissions (2):

Labcorp Genetics (formerly Invitae), Labcorp
Classification: Pathogenic for Retinoblastoma. Last evaluated: 2018-05-19. Review status: criteria provided, single submitter. Criteria: Invitae Variant Classification Sherloc (09022015). Collection method: clinical testing. Allele origin: germline.
Comment: This variant has been observed in individuals affected with retinoblastoma (PMID: 24225018, 29261756). ClinVar contains an entry for this variant (Variation ID: 428726). Loss-of-function variants in RB1 are known to be pathogenic (PMID: 17096365). For these reasons, this variant has been classified as Pathogenic. This variant is not present in population databases (ExAC no frequency). This sequence change creates a premature translational stop signal (p.Asn290Metfs*11) in the RB1 gene. It is expected to result in an absent or disrupted protein product.

Ambry Genetics
Classification: Pathogenic for Hereditary cancer-predisposing syndrome. Last evaluated: 2016-01-04. Review status: criteria provided, single submitter. Criteria: Ambry Variant Classification Scheme 2023. Collection method: clinical testing. Allele origin: germline.
Comment: The c.869delA pathogenic mutation, located in coding exon 9 of the RB1 gene, results from a deletion of one nucleotide at nucleotide position 869, causing a translational frameshift with a predicted alternate stop codon. This alteration has been reported in the literature in a cohort of retinoblastoma patients (Price EA et al. J. Med. Genet. 2014 Mar; 51(3):208-14). In addition to the literature, since frameshifts are typically deleterious in nature, this alteration is interpreted as a disease-causing mutation (ACMG Recommendations for Standards for Interpretation and Reporting of Sequence Variations. Revision 2007. Genet Med. 2008;10:294).

Literature cited by the submitters: PubMed 24225018 (cited by Labcorp Genetics (formerly Invitae), Labcorp and Ambry Genetics); PubMed 29261756 (cited by Labcorp Genetics (formerly Invitae), Labcorp); PubMed 17096365 (cited by Labcorp Genetics (formerly Invitae), Labcorp).